The following is an entry in ClinVar:

ClinVar aggregate classification (germline): Pathogenic/Likely pathogenic. Review status: criteria provided, multiple submitters, no conflicts (2 of 4 stars). 4 submissions from 4 submitters: Pathogenic (3); Likely pathogenic (1). Last evaluated 2025-10-21.

Conditions:
Leber congenital amaurosis 5 (LCA5). Also called: Amaurosis congenita of Leber, type 5. Identifiers: Orphanet 65, MedGen C1858301, MONDO:0011473, OMIM 604537.
LCA5-related disorder. Also called: LCA5-related condition.

Allele frequency attached by ClinVar (database versions not stated): ExAC 0.00001; gnomAD exomes 0.00001; TOPMed 0.00001.
gnomAD v4.1: 55 of 1,613,778 alleles (0.0034%); highest among the groups gnomAD compares: Non-Finnish European, 0.0044%; no homozygotes.

Submissions (4):

Natera, Inc.
Classification: Pathogenic for Leber congenital amaurosis type 5. Last evaluated: 2025-10-21. Review status: criteria provided, single submitter. Criteria: Natera Variant Classification Schema (03/2026). Collection method: clinical testing. Allele origin: germline.
Comment: The c.1756A>T variant in LCA5 is a nonsense variant predicted to introduce a stop codon at amino acid 586. This variant is expected to result in nonsense mediated decay, truncation, or a dysfunctional protein product. This variant is rare in the general population with a frequency below the threshold expected for the associated phenotype(s). This variant has been observed in one or more individuals affected with the associated recessive disease, as either homozygous or compound heterozygous with a second variant (PMID: 27624628, 23946133). Additionally, this variant has been observed to segregate in affected family members (PMID: 27624628). Given the available evidence, this variant is classified as Pathogenic.

PreventionGenetics, part of Exact Sciences
Classification: Pathogenic for LCA5-related condition. Last evaluated: 2025-01-10. Review status: criteria provided, single submitter. Criteria: ACMG Guidelines, 2015. Collection method: clinical testing. Allele origin: germline.
Comment: The LCA5 c.1756A>T variant is predicted to result in premature protein termination (p.Lys586*). This variant has been reported in individuals with LCA5-related condidtions (Mackay et al. 2013. PubMed ID: 23946133; Table S1, Lin et al. 2024. PubMed ID: 38219857). This variant is reported in 0.00088% of alleles in individuals of European (Non-Finnish) descent in gnomAD. Nonsense variants in LCA5 are expected to be pathogenic. This variant is interpreted as pathogenic.

Labcorp Genetics (formerly Invitae), Labcorp
Classification: Likely pathogenic. Last evaluated: 2024-03-30. Review status: criteria provided, single submitter. Criteria: Invitae Variant Classification Sherloc (09022015). Collection method: clinical testing. Allele origin: germline.
Comment: This sequence change creates a premature translational stop signal (p.Lys586*) in the LCA5 gene. While this is not anticipated to result in nonsense mediated decay, it is expected to disrupt the last 112 amino acid(s) of the LCA5 protein. This variant is present in population databases (rs772573829, gnomAD 0.002%). This premature translational stop signal has been observed in individuals with Leber congenital amaurosis (PMID: 23946133, 27624628). ClinVar contains an entry for this variant (Variation ID: 961285). Experimental studies and prediction algorithms are not available or were not evaluated, and the functional significance of this variant is currently unknown. In summary, the currently available evidence indicates that the variant is pathogenic, but additional data are needed to prove that conclusively. Therefore, this variant has been classified as Likely Pathogenic.

Blueprint Genetics
Classification: Pathogenic for LCA5-related disorders. Last evaluated: 2022-07-04. Review status: criteria provided, single submitter. Criteria: ACMG Guidelines, 2015. Collection method: clinical testing. Allele origin: germline. Affected: yes. Observed: 5 variant alleles.

Literature cited by the submitters: PubMed 27624628 (cited by Natera, Inc. and Labcorp Genetics (formerly Invitae), Labcorp); PubMed 23946133 (cited by Natera, Inc. and Labcorp Genetics (formerly Invitae), Labcorp).

NM_001122769.3(LCA5):c.1756A>T (p.Lys586Ter)

Gene: LCA5 (lebercilin LCA5; minus strand). Cytogenetic location: 6q14.1.
Variant type: single nucleotide variant.
Coding change: c.1756A>T on transcript NM_001122769.3 (MANE Select); coding-DNA position 1756, A replaced by T.
Protein change: p.Lys586Ter; replaces lysine 586 with a stop codon.
Molecular consequence: nonsense.
Genome position (GRCh38, 1-based): chr6:79,487,342, T>A on the plus strand (A>T on the coding strand, the complement: LCA5 is on the minus strand). VCF-style: chr6-79487342-T-A. GRCh37 (hg19) VCF-style: chr6-80197059-T-A.
Other names: c.1756A>T, p.Lys586Ter (NM_181714.4); short protein forms K586*.
Identifiers: ClinVar variation 961285 (VCV000961285.15), dbSNP rs772573829, ClinGen allele CA3900780.